The following is an entry in ClinVar:

ClinVar aggregate classification (germline): Benign. Review status: criteria provided, multiple submitters, no conflicts (2 of 4 stars). 7 submissions from 6 submitters: Benign (6). 1 of the submissions does not count toward it. Last evaluated 2026-01-12.

Conditions:
Emery-Dreifuss muscular dystrophy 4, autosomal dominant (EDMD4). Also called: EMERY-DREIFUSS MUSCULAR DYSTROPHY 4 WITH VARIABLE FEATURES. Identifiers: Orphanet 261, MedGen C2751807, MONDO:0013071, OMIM 612998.
Autosomal recessive ataxia, Beauce type. Also called: SYNE1-Related Autosomal Recessive Cerebellar Ataxia; ATAXIA, RECESSIVE, OF BEAUCE; Spinocerebellar ataxia, autosomal recessive 8; SYNE1 Deficiency. Identifiers: Orphanet 88644, MedGen C1853116, MONDO:0012549, OMIM 610743.

Allele frequency attached by ClinVar (database versions not stated): ExAC 0.00364; gnomAD 0.00917 and 0.00967; 1000 Genomes Project 0.00938; TOPMed 0.01084; 1000 Genomes Project 30x 0.00999; gnomAD exomes 0.00115 and 0.00299; ESP Exome Variant Server 0.01238.
gnomAD v4.1: 3,150 of 1,613,744 alleles (0.2%); highest among the groups gnomAD compares: African/African-American, 3.2%; 34 homozygotes.

Submissions (7):

Labcorp Genetics (formerly Invitae), Labcorp
Classification: Benign for Emery-Dreifuss muscular dystrophy 4, autosomal dominant; Autosomal recessive ataxia, Beauce type. Last evaluated: 2026-01-12. Review status: criteria provided, single submitter. Criteria: Invitae Variant Classification Sherloc (09022015). Collection method: clinical testing. Allele origin: germline.

Athena Diagnostics
Classification: Benign. Last evaluated: 2024-10-11. Review status: criteria provided, single submitter. Criteria: Athena Diagnostics Criteria. Collection method: clinical testing. Allele origin: unknown.

Mayo Clinic Laboratories, Mayo Clinic
Classification: Benign. Last evaluated: 2024-03-18. Review status: criteria provided, single submitter. Criteria: ACMG Guidelines, 2015. Collection method: clinical testing. Allele origin: germline. Observed: 5 variant alleles.

Illumina Laboratory Services, Illumina
Classification: Benign for Emery-Dreifuss muscular dystrophy 4, autosomal dominant. Last evaluated: 2018-01-13. Review status: criteria provided, single submitter. Criteria: ICSL Variant Classification Criteria 13 December 2019. Collection method: clinical testing. Allele origin: germline.
Comment: This variant was observed in the ICSL laboratory as part of a predisposition screen in an ostensibly healthy population. It had not been previously curated by ICSL or reported in the Human Gene Mutation Database (HGMD: prior to June 1st, 2018), and was therefore a candidate for classification through an automated scoring system. Utilizing variant allele frequency, disease prevalence and penetrance estimates, and inheritance mode, an automated score was calculated to assess if this variant is too frequent to cause the disease. Based on the score and internal cut-off values, a variant classified as benign is not then subjected to further curation. The score for this variant resulted in a classification of benign for this disease.

Illumina Laboratory Services, Illumina
Classification: Benign for Autosomal recessive ataxia, Beauce type. Last evaluated: 2018-01-13. Review status: criteria provided, single submitter. Criteria: ICSL Variant Classification Criteria 13 December 2019. Collection method: clinical testing. Allele origin: germline.
Comment: the same text as in the submission from Illumina Laboratory Services, Illumina above.

GeneDx
Classification: Benign. Last evaluated: 2016-05-09. Review status: criteria provided, single submitter. Criteria: GeneDx Variant Classification (06012015). Collection method: clinical testing. Allele origin: germline. Affected: yes.
Comment: This variant is considered likely benign or benign based on one or more of the following criteria: it is a conservative change, it occurs at a poorly conserved position in the protein, it is predicted to be benign by multiple in silico algorithms, and/or has population frequency not consistent with disease.

Genetic Services Laboratory, University of Chicago
Classification: Likely benign for AllHighlyPenetrant. Review status: no assertion criteria provided. Collection method: clinical testing. Allele origin: germline. Inheritance: Autosomal dominant inheritance. Not counted in ClinVar's aggregate classification.
Comment: Likely benign based on allele frequency in 1000 Genomes Project or ESP global frequency and its presence in a patient with a rare or unrelated disease phenotype. NOT Sanger confirmed.

NM_182961.4(SYNE1):c.18801C>T (p.Thr6267=)

Gene: SYNE1 (spectrin repeat containing nuclear envelope protein 1; minus strand). Cytogenetic location: 6q25.2.
Variant type: single nucleotide variant.
Coding change: c.18801C>T on transcript NM_182961.4 (MANE Select); coding-DNA position 18801, C replaced by T.
Protein change: p.Thr6267=; no amino-acid change (threonine 6267 retained).
Molecular consequence: synonymous variant.
Genome position (GRCh38, 1-based): chr6:152,268,070, G>A on the plus strand (C>T on the coding strand, the complement: SYNE1 is on the minus strand). VCF-style: chr6-152268070-G-A. GRCh37 (hg19) VCF-style: chr6-152589205-G-A.
Other names: p.Thr6196=; c.18588C>T, p.Thr6196= (NM_033071.5).
Identifiers: ClinVar variation 130415 (VCV000130415.22), dbSNP rs116007471, ClinGen allele CA155392.